The following is an entry in ClinVar:

ClinVar aggregate classification (germline): Uncertain significance. Review status: criteria provided, multiple submitters, no conflicts (2 of 4 stars). 2 submissions from 2 submitters: Uncertain significance (2). Last evaluated 2025-02-05.

Conditions:
Inborn genetic diseases. Identifiers: MedGen C0950123, MeSH D030342.

Allele frequency attached by ClinVar (database versions not stated): TOPMed 0.00001; ESP Exome Variant Server 0.00008; gnomAD exomes below 0.00001.
gnomAD v4.1: 2 of 1,611,644 alleles (0.00012%); highest among the groups gnomAD compares: Non-Finnish European, 0.00017%; no homozygotes.

Submissions (2):

Ambry Genetics
Classification: Uncertain significance for Inborn genetic diseases. Last evaluated: 2025-02-05. Review status: criteria provided, single submitter. Criteria: Ambry Variant Classification Scheme 2023. Collection method: clinical testing. Allele origin: germline.
Comment: The p.T309I variant (also known as c.926C>T), located in coding exon 9 of the DDX41 gene, results from a C to T substitution at nucleotide position 926. The threonine at codon 309 is replaced by isoleucine, an amino acid with similar properties. This amino acid position is conserved. In addition, this alteration is predicted to be tolerated by in silico analysis. Based on the available evidence, the clinical significance of this variant remains unclear.

Genetic Services Laboratory, University of Chicago
Classification: Uncertain significance. Last evaluated: 2019-01-08. Review status: criteria provided, single submitter. Criteria: ACMG Guidelines, 2015. Collection method: clinical testing. Allele origin: germline. Affected: no.

NM_016222.4(DDX41):c.926C>T (p.Thr309Ile)

Gene: DDX41 (DEAD-box helicase 41; minus strand). Cytogenetic location: 5q35.3.
Variant type: single nucleotide variant.
Coding change: c.926C>T on transcript NM_016222.4 (MANE Select); coding-DNA position 926, C replaced by T.
Protein change: p.Thr309Ile; replaces threonine 309 with isoleucine.
Molecular consequence: missense variant.
Genome position (GRCh38, 1-based): chr5:177,514,710, G>A on the plus strand (C>T on the coding strand, the complement: DDX41 is on the minus strand). VCF-style: chr5-177514710-G-A. GRCh37 (hg19) VCF-style: chr5-176941711-G-A.
Other names: c.548C>T, p.Thr183Ile (NM_001321732.2, NM_001321830.2); short protein forms T183I, T309I.
Identifiers: ClinVar variation 1336970 (VCV001336970.5), dbSNP rs371035635, ClinGen allele CA132891862.